The following is an entry in ClinVar:

ClinVar aggregate classification (germline): Pathogenic (1 of 4 stars; one submission).

Conditions:
Merosin deficient congenital muscular dystrophy (MDC1A). Also called: Congenital Muscular Dystrophy Type 1A (MDC1A); Congenital merosin-deficient muscular dystrophy 1A. Identifiers: Orphanet 258, MedGen C1263858, MONDO:0011925, OMIM 607855.

Submission:

Diagnostics Services (NGS), CSIR - Centre For Cellular And Molecular Biology
Classification: Pathogenic for Merosin deficient congenital muscular dystrophy. Last evaluated: 2021-03-24. Review status: criteria provided, single submitter. Criteria: ACMG Guidelines, 2015. Collection method: clinical testing. Allele origin: unknown. Inheritance: Autosomal recessive inheritance. Affected: yes. Observed: 1 variant allele, 1 compound heterozygote.
Comment: The c.908dupA variant is not present in publicly available population databases like 1000 Genomes, EVS, ExAC, gnomAD or dbSNP. The variant is not present in Indian Exome Database [Kausthubham et al. Hum Mutat, 2021] and in our in-house exome database. The variant has not been previously reported to ClinVar, HGMD and/or OMIM databases in any affected individuals. In-silico pathogenicity prediction programs like MutationTaster2, CADD, Varsome etc. predicted this variant to be likely disease causing. The variant qualifies to be classified as pathogenic according to ACMG guidelines.

NM_000426.4(LAMA2):c.908dup (p.Asn303fs)

Gene: LAMA2 (laminin subunit alpha 2; plus strand). Cytogenetic location: 6q22.33.
Variant type: Duplication.
Coding change: c.908dup on transcript NM_000426.4 (MANE Select); coding-DNA position 908, one base duplicated (A; older notation c.908dupA).
Protein change: p.Asn303fs; shifts the reading frame from asparagine 303.
Molecular consequence: frameshift variant.
Genome position (GRCh38, 1-based): chr6:129,147,047, A duplicated; the last of 3 consecutive A bases (chr6:129,147,045-129,147,047); duplicating any one gives the same sequence. VCF-style (leftmost placement, unchanged base first): chr6-129147044-C-CA. GRCh37 (hg19) VCF-style: chr6-129468189-C-CA.
Other names: c.908dup, p.Asn303fs (NM_001079823.2); c.908dupA (NM_000426.4); short protein forms N303fs.
Identifiers: ClinVar variation 1173099 (VCV001173099.4), dbSNP rs2114964219, ClinGen allele CA2499218059.